The following is an entry in ClinVar:

ClinVar aggregate classification (germline): Uncertain significance (1 of 4 stars; one submission).

Conditions:
PCNT-related disorder. Also called: PCNT-related condition.

gnomAD v4.1: 3 of 1,613,878 alleles (0.00019%); highest among the groups gnomAD compares: Non-Finnish European, 0.00025%; no homozygotes.

Submission:

PreventionGenetics, part of Exact Sciences
Classification: Uncertain significance for PCNT-related condition. Last evaluated: 2025-09-12. Review status: criteria provided, single submitter. Criteria: ACMG Guidelines, 2015. Collection method: clinical testing. Allele origin: germline.
Comment: The PCNT c.4702G>A variant is predicted to result in the amino acid substitution p.Glu1568Lys. This variant, referred to as c.4348G>A (p.Glu1450Lys) in the alternate transcript NM_001315529, was reported in an individual with Moyamoya angiopathy who also carried two variants in RNF213 and a variant in ADAMTS13 (Table S3, Zanoni et al. 2023. PubMed ID: 37012328). This variant is reported in 0.0023% of alleles in individuals of European (non-Finnish) descent in gnomAD. At this time, the clinical significance of this variant is uncertain due to the absence of conclusive functional and genetic evidence.

NM_006031.6(PCNT):c.4702G>A (p.Glu1568Lys)

Gene: PCNT (pericentrin; plus strand). Cytogenetic location: 21q22.3.
Variant type: single nucleotide variant.
Coding change: c.4702G>A on transcript NM_006031.6 (MANE Select); coding-DNA position 4702, G replaced by A.
Protein change: p.Glu1568Lys; replaces glutamic acid 1568 with lysine.
Molecular consequence: missense variant.
Genome position (GRCh38, 1-based): chr21:46,399,707, G>A. VCF-style: chr21-46399707-G-A. GRCh37 (hg19) VCF-style: chr21-47819621-G-A.
Other names: c.4348G>A, p.Glu1450Lys (NM_001315529.2); short protein forms E1450K, E1568K.
Identifiers: ClinVar variation 4985856 (VCV004985856.1).